The following is an entry in ClinVar:

ClinVar aggregate classification (germline): Uncertain significance (1 of 4 stars; one submission).

Conditions:
Ehlers-Danlos syndrome, musculocontractural type 2 (EDSMC2). Identifiers: Orphanet 2953, MedGen C3809845, MONDO:0014236, OMIM 615539.

Allele frequency attached by ClinVar (database versions not stated): gnomAD 0.00001.
gnomAD v4.1: 2 of 1,614,000 alleles (0.00012%); highest among the groups gnomAD compares: Admixed American, 0.0017%; no homozygotes.

Submission:

Labcorp Genetics (formerly Invitae), Labcorp
Classification: Uncertain significance for Ehlers-Danlos syndrome, musculocontractural type 2. Last evaluated: 2022-09-27. Review status: criteria provided, single submitter. Criteria: Invitae Variant Classification Sherloc (09022015). Collection method: clinical testing. Allele origin: germline.
Comment: In summary, the available evidence is currently insufficient to determine the role of this variant in disease. Therefore, it has been classified as a Variant of Uncertain Significance. Advanced modeling of protein sequence and biophysical properties (such as structural, functional, and spatial information, amino acid conservation, physicochemical variation, residue mobility, and thermodynamic stability) performed at Invitae indicates that this missense variant is not expected to disrupt DSE protein function. This variant has not been reported in the literature in individuals affected with DSE-related conditions. This variant is not present in population databases (gnomAD no frequency). This sequence change replaces aspartic acid, which is acidic and polar, with glycine, which is neutral and non-polar, at codon 611 of the DSE protein (p.Asp611Gly).

NM_013352.4(DSE):c.1832A>G (p.Asp611Gly)

Gene: DSE (dermatan sulfate epimerase; plus strand). Cytogenetic location: 6q22.1.
Variant type: single nucleotide variant.
Coding change: c.1832A>G on transcript NM_013352.4 (MANE Select); coding-DNA position 1832, A replaced by G.
Protein change: p.Asp611Gly; replaces aspartic acid 611 with glycine.
Molecular consequence: missense variant. On other transcripts: 3 prime UTR variant (2), non-coding transcript variant (1).
Genome position (GRCh38, 1-based): chr6:116,436,300, A>G. VCF-style: chr6-116436300-A-G. GRCh37 (hg19) VCF-style: chr6-116757463-A-G.
Other names: c.1832A>G, p.Asp611Gly (NM_001080976.3, NM_001322937.2, NM_001322938.2); c.1889A>G, p.Asp630Gly (NM_001322939.2); c.1271A>G, p.Asp424Gly (NM_001322940.2, NM_001322941.2); c.*697A>G (NM_001322943.2, NM_001322944.2); c.833A>G, p.Asp278Gly (NM_001374520.1); c.797A>G, p.Asp266Gly (NM_001374521.1); short protein forms D278G, D424G, D611G, D630G, D266G.
Identifiers: ClinVar variation 1983597 (VCV001983597.4), dbSNP rs1784148346, ClinGen allele CA365403328.